The following is an entry in ClinVar:

NM_015559.3(SETBP1):c.347C>A (p.Pro116His)

Gene: SETBP1 (SET binding protein 1; plus strand). Cytogenetic location: 18q12.3.
Variant type: single nucleotide variant.
Coding change: c.347C>A on transcript NM_015559.3 (MANE Select); coding-DNA position 347, C replaced by A.
Protein change: p.Pro116His; replaces proline 116 with histidine.
Molecular consequence: missense variant.
Genome position (GRCh38, 1-based): chr18:44,701,693, C>A. VCF-style: chr18-44701693-C-A. GRCh37 (hg19) VCF-style: chr18-42281658-C-A.
Other names: c.347C>A, p.Pro116His (NM_001130110.2, NM_001379141.1, NM_001379142.1 and 1 more transcripts); short protein forms P116H.
Identifiers: ClinVar variation 4535115 (VCV004535115.6).

ClinVar aggregate classification (germline): Uncertain significance (1 of 4 stars; one submission).

Submission:

CeGaT Center for Human Genetics Tuebingen
Classification: Uncertain significance. Last evaluated: 2025-10-01. Review status: criteria provided, single submitter. Criteria: CeGaT Center For Human Genetics Tuebingen Variant Classification Criteria Version 2. Collection method: clinical testing. Allele origin: germline. Affected: yes. Observed: 1 variant allele.
Comment: SETBP1: PM2, PP2, PP3